The following is an entry in ClinVar:

ClinVar aggregate classification (germline): Benign (0 of 4 stars; one submission).

Conditions:
MAP6D1-related disorder. Also called: MAP6D1-related condition.

Allele frequency attached by ClinVar (database versions not stated): gnomAD exomes 0.00016; ESP Exome Variant Server 0.00175; gnomAD 0.00201; TOPMed 0.00226; 1000 Genomes Project 0.00319; 1000 Genomes Project 30x 0.00328; ExAC 0.00381.
gnomAD v4.1: 502 of 1,347,664 alleles (0.037%); highest among the groups gnomAD compares: African/African-American, 0.72%; 3 homozygotes.

Submission:

PreventionGenetics, part of Exact Sciences
Classification: Benign for MAP6D1-related condition. Last evaluated: 2019-08-21. Review status: no assertion criteria provided. Collection method: clinical testing. Allele origin: germline.
Comment: This variant is classified as benign based on ACMG/AMP sequence variant interpretation guidelines (Richards et al. 2015 PMID: 25741868, with internal and published modifications).

NM_024871.4(MAP6D1):c.237C>T (p.Pro79=)

Genes: MAP6D1 (MAP6 domain containing 1; minus strand), LOC129938032 (ATAC-STARR-seq lymphoblastoid silent region 14949; plus strand). Cytogenetic location: 3q27.1.
Variant type: single nucleotide variant.
Coding change: c.237C>T on transcript NM_024871.4 (MANE Select); coding-DNA position 237, C replaced by T.
Protein change: p.Pro79=; no amino-acid change (proline 79 retained).
Molecular consequence: synonymous variant.
Genome position (GRCh38, 1-based): chr3:183,825,311, G>A on the plus strand (C>T on the coding strand, the complement: MAP6D1 is on the minus strand). VCF-style: chr3-183825311-G-A. GRCh37 (hg19) VCF-style: chr3-183543099-G-A.
Identifiers: ClinVar variation 3035858 (VCV003035858.2), dbSNP rs376455325, ClinGen allele CA2723297.
Genomic context (GRCh38, chr3:183,825,311, plus strand): 5'-TTTGCCCCTGCGGCCGCCCGCCCCCGGTCCGCGCCCCGGCGGCGGATCCTTGGGCCCGGC[G>A]GGCGTGGTCCACAAGCCGAAGTCCCGCTGGTACTGAGTGAGCGGCACGTCCCGGCCGGAA-3'
Protein context (NP_079147.1, residues 69-89): YQRDFGLWTT[Pro79=]AGPKDPPPGR